The following is an entry in ClinVar:

NM_001276345.2(TNNT2):c.286G>A (p.Asp96Asn)

Gene: TNNT2 (troponin T2, cardiac type; minus strand). Cytogenetic location: 1q32.1.
Variant type: single nucleotide variant.
Coding change: c.286G>A on transcript NM_001276345.2 (MANE Select); coding-DNA position 286, G replaced by A.
Protein change: p.Asp96Asn; replaces aspartic acid 96 with asparagine.
Molecular consequence: missense variant.
Genome position (GRCh38, 1-based): chr1:201,365,618, C>T on the plus strand (G>A on the coding strand, the complement: TNNT2 is on the minus strand). VCF-style: chr1-201365618-C-T. GRCh37 (hg19) VCF-style: chr1-201334746-C-T.
Other names: c.256G>A (NM_001001430.1); c.286G>A, p.Asp96Asn (NM_000364.4); c.256G>A, p.Asp86Asn (NM_001001430.3, NM_001001431.3, NM_001276347.2); c.241G>A, p.Asp81Asn (NM_001001432.3); c.283G>A, p.Asp95Asn (NM_001276346.2); short protein forms D86N, D96N, D81N, D95N.
Identifiers: ClinVar variation 469519 (VCV000469519.12), dbSNP rs1553282768, ClinGen allele CA027243.
Genomic context (GRCh38, chr1:201,365,618, plus strand): 5'-CCCTTGGGACTATCCCCAGCCCAGGCCTACTCAACCCACAGCCACCGCTTACATCAAAGT[C>T]CACTCTCTCTCCATCGGGGATCTTGGGAGGCACCAAGTTGGGCATGAACGACCTGTTGGA-3'
Protein context (NP_001263274.1, residues 86-106): PPKIPDGERV[Asp96Asn]FDDIHRKRME

ClinVar aggregate classification (germline): Conflicting classifications of pathogenicity. Review status: criteria provided, conflicting classifications (1 of 4 stars). 4 submissions from 4 submitters: Likely pathogenic (1); Uncertain significance (3). Last evaluated 2025-12-17.

Conditions:
Cardiovascular phenotype. Identifiers: MedGen CN230736.
Hypertrophic cardiomyopathy 2. Also called: TNNT2-Related Familial Hypertrophic Cardiomyopathy. Identifiers: MedGen C1861864, MONDO:0007266, OMIM 115195.
Cardiomyopathy, familial restrictive, 3. Identifiers: Orphanet 75249, MedGen C2676271, MONDO:0012900, OMIM 612422.
Dilated cardiomyopathy 1D. Identifiers: Orphanet 154, Orphanet 54260, MedGen C1832243, MONDO:0011095, OMIM 601494.
Cardiomyopathy (CMYO). Also called: Cardiomyopathies. Identifiers: Orphanet 167848, MedGen C0878544, MONDO:0004994, HP:0001638. Inheritance: Various modes of inheritance.

Submissions (4):

Labcorp Genetics (formerly Invitae), Labcorp
Classification: Likely pathogenic for Cardiomyopathy, familial restrictive, 3; Hypertrophic cardiomyopathy 2; Dilated cardiomyopathy 1D. Last evaluated: 2025-12-17. Review status: criteria provided, single submitter. Criteria: Invitae Variant Classification Sherloc (09022015). Collection method: clinical testing. Allele origin: germline.
Comment: This sequence change replaces aspartic acid, which is acidic and polar, with asparagine, which is neutral and polar, at codon 86 of the TNNT2 protein (p.Asp86Asn). This variant is not present in population databases (gnomAD no frequency). This variant has not been reported in the literature in individuals affected with TNNT2-related conditions. ClinVar contains an entry for this variant (Variation ID: 469519). Invitae Evidence Modeling of protein sequence and biophysical properties (such as structural, functional, and spatial information, amino acid conservation, physicochemical variation, residue mobility, and thermodynamic stability) indicates that this missense variant is not expected to disrupt TNNT2 protein function with a negative predictive value of 80%. This variant disrupts the p.Asp86 amino acid residue in TNNT2. Other variant(s) that disrupt this residue have been determined to be pathogenic (PMID: 12860912, 25524337, 26914223, 27532257). This suggests that this residue is clinically significant, and that variants that disrupt this residue are likely to be disease-causing. In summary, the currently available evidence indicates that the variant is pathogenic, but additional data are needed to prove that conclusively. Therefore, this variant has been classified as Likely Pathogenic.

Ambry Genetics
Classification: Uncertain significance for Cardiovascular phenotype. Last evaluated: 2025-09-08. Review status: criteria provided, single submitter. Criteria: Ambry Variant Classification Scheme 2023. Collection method: clinical testing. Allele origin: germline.
Comment: The p.D86N variant (also known as c.256G>A), located in coding exon 7 of the TNNT2 gene, results from a G to A substitution at nucleotide position 256. The aspartic acid at codon 86 is replaced by asparagine, an amino acid with highly similar properties. This variant was reported in individual(s) with features consistent with dilated cardiomyopathy (Ambry internal data). This amino acid position is highly conserved in available vertebrate species. In addition, the in silico prediction for this alteration is inconclusive. Based on the available evidence, the clinical significance of this variant remains unclear.

All of Us Research Program, National Institutes of Health
Classification: Uncertain significance for Cardiomyopathy. Last evaluated: 2024-03-24. Review status: criteria provided, single submitter. Criteria: ACMG Guidelines, 2015. Collection method: clinical testing. Allele origin: germline. Inheritance: Autosomal dominant inheritance. Observed: 1 variant allele, 1 heterozygote.
Comment: This missense variant replaces aspartic acid with asparagine at codon 86 of the TNNT2 protein. Computational prediction tools indicate that this variant has a deleterious impact on protein structure and function. To our knowledge, functional studies have not been reported for this variant. This variant has not been reported in individuals affected with TNNT2-related disorders in the literature. This variant has not been identified in the general population by the Genome Aggregation Database (gnomAD). A different variant affecting the same codon, p.Asp86Ala, is considered to be disease-causing (ClinVar variation ID: 43626), suggesting that aspartic acid at this position is important for TNNT2 protein function. The available evidence is insufficient to determine the role of this variant in disease conclusively. Therefore, this variant is classified as a Variant of Uncertain Significance.

This study involves interpretation of variants in research participants for the purpose of population health screening. Participant phenotype was not available at the time of variant classification. Additional details can be found in publication PMID: 35346344, PMCID: PMC8962531

Fulgent Genetics
Classification: Uncertain significance for Hypertrophic cardiomyopathy 2; Dilated cardiomyopathy 1D; Cardiomyopathy, familial restrictive, 3. Last evaluated: 2021-09-01. Review status: criteria provided, single submitter. Criteria: ACMG Guidelines, 2015. Collection method: clinical testing. Allele origin: unknown.

Literature cited by the submitters: PubMed 12860912 (cited by Labcorp Genetics (formerly Invitae), Labcorp); PubMed 25524337 (cited by Labcorp Genetics (formerly Invitae), Labcorp); PubMed 26914223 (cited by Labcorp Genetics (formerly Invitae), Labcorp); PubMed 27532257 (cited by Labcorp Genetics (formerly Invitae), Labcorp).